The following is an entry in ClinVar:

ClinVar aggregate classification (germline): Benign. Review status: criteria provided, multiple submitters, no conflicts (2 of 4 stars). 2 submissions from 2 submitters: Benign (2). Last evaluated 2018-06-19.

Allele frequency attached by ClinVar (database versions not stated): gnomAD exomes 0.11650; gnomAD 0.13062 and 0.13494; TOPMed 0.13868; 1000 Genomes Project 30x 0.21221; 1000 Genomes Project 0.21725.
gnomAD v4.1: 33,237 of 262,256 alleles (13%); highest among the groups gnomAD compares: East Asian, 37%; 3,035 homozygotes.

Submissions (2):

GeneDx
Classification: Benign. Last evaluated: 2018-06-19. Review status: criteria provided, single submitter. Criteria: GeneDx Variant Classification (06012015). Collection method: clinical testing. Allele origin: germline. Affected: yes.
Comment: This variant is considered likely benign or benign based on one or more of the following criteria: it is a conservative change, it occurs at a poorly conserved position in the protein, it is predicted to be benign by multiple in silico algorithms, and/or has population frequency not consistent with disease.

Breakthrough Genomics
Classification: Benign. Review status: criteria provided, single submitter. Criteria: ACMG Guidelines, 2015. Collection method: not provided. Allele origin: germline. Inheritance: Autosomal dominant inheritance. Affected: yes.

NM_001127222.2(CACNA1A):c.1198+328A>T

Gene: CACNA1A (calcium voltage-gated channel subunit alpha1 A; minus strand). Cytogenetic location: 19p13.13.
Variant type: single nucleotide variant.
Coding change: c.1198+328A>T on transcript NM_001127222.2 (MANE Select); 328 bases into the intron after coding-DNA position 1198, A replaced by T.
Molecular consequence: intron variant.
Genome position (GRCh38, 1-based): chr19:13,334,050, T>A on the plus strand (A>T on the coding strand, the complement: CACNA1A is on the minus strand). VCF-style: chr19-13334050-T-A. GRCh37 (hg19) VCF-style: chr19-13444864-T-A.
Other names: c.1198+328A>T (NM_001127221.2, NM_001174080.2, NM_000068.4 and 1 more transcripts).
Identifiers: ClinVar variation 668775 (VCV000668775.2), dbSNP rs10402089, ClinGen allele CA14719721.